The following is an entry in ClinVar:

NM_030632.3(ASXL3):c.2830G>A (p.Glu944Lys)

Gene: ASXL3 (ASXL transcriptional regulator 3; plus strand). Cytogenetic location: 18q12.1.
Variant type: single nucleotide variant.
Coding change: c.2830G>A on transcript NM_030632.3 (MANE Select); coding-DNA position 2830, G replaced by A.
Protein change: p.Glu944Lys; replaces glutamic acid 944 with lysine.
Molecular consequence: missense variant.
Genome position (GRCh38, 1-based): chr18:33,740,234, G>A. VCF-style: chr18-33740234-G-A. GRCh37 (hg19) VCF-style: chr18-31320198-G-A.
Other names: short protein forms E944K.
Identifiers: ClinVar variation 3383673 (VCV003383673.1).
Genomic context (GRCh38, chr18:33,740,234, plus strand): 5'-ACACATAAGCAAGGGAGTACACAGAGTCGGTTAGAAACCTCACATACTTCCAAGTCATCA[G>A]AGCCCTCCAAGTCACCTGATGGGATAAGAAATGAAAGTAGAGATTCAGAGATATCAAAGA-3'
Protein context (NP_085135.1, residues 934-954): LETSHTSKSS[Glu944Lys]PSKSPDGIRN

ClinVar aggregate classification (germline): Uncertain significance (1 of 4 stars; one submission).

Submission:

GeneDx
Classification: Uncertain significance. Last evaluated: 2024-05-29. Review status: criteria provided, single submitter. Criteria: GeneDx Variant Classification Process June 2021. Collection method: clinical testing. Allele origin: germline. Affected: yes.
Comment: Not observed at significant frequency in large population cohorts (gnomAD); In silico analysis indicates that this missense variant does not alter protein structure/function; Has not been previously published as pathogenic or benign to our knowledge